The following is an entry in ClinVar:

NM_000038.6(APC):c.1312+4_1312+19del

Gene: APC (APC regulator of Wnt signaling pathway; plus strand). Cytogenetic location: 5q22.2.
Variant type: Deletion.
Coding change: c.1312+4_1312+19del on transcript NM_000038.6 (MANE Select); bases 4 to 19 of the intron after coding-DNA position 1312, 16 bases deleted (TGTTCTCTATAGTGTA).
Molecular consequence: splice donor variant.
Genome position (GRCh38, 1-based): chr5:112,819,348-112,819,363, TGTTCTCTATAGTGTA deleted; deleting any 16 consecutive bases within chr5:112,819,345-112,819,363 gives the same sequence; the c. name uses the placement nearest the transcript's 3' end. VCF-style (leftmost placement, unchanged base first): chr5-112819344-AGTATGTTCTCTATAGT-A. GRCh37 (hg19) VCF-style: chr5-112155041-AGTATGTTCTCTATAGT-A.
Other names: NM_001354906.2:c.463+4_463+19del; c.463+4_463+19del (NM_001407470.1, NM_001354906.2); c.160+4_160+19del (NM_001407472.1, NM_001407471.1); c.1312+4_1312+19del (NM_001407447.1, NM_001354895.2, NM_001407448.1 and 4 more transcripts); c.1009+4_1009+19del (NM_001407456.1, NM_001407460.1, NM_001407457.1 and 5 more transcripts); c.1228+4_1228+19del (NM_001407452.1, NM_001354899.2); c.925+4_925+19del (NM_001407469.1, NM_001407467.1); c.1342+4_1342+19del (NM_001407446.1, NM_001354897.2); and 6 more.
Identifiers: ClinVar variation 3901084 (VCV003901084.1).

ClinVar aggregate classification (germline): Likely pathogenic (3 of 4 stars; one submission).

Conditions:
Familial adenomatous polyposis 1 (FAP1). Also called: FAMILIAL ADENOMATOUS POLYPOSIS 1, ATTENUATED; POLYPOSIS, ADENOMATOUS INTESTINAL. Identifiers: MedGen C2713442, MONDO:0021056, OMIM 175100. Disease mechanism: loss of function.

Submission:

ClinGen InSiGHT Hereditary Colorectal Cancer/Polyposis Variant Curation Expert Panel
Classification: Likely pathogenic for Familial adenomatous polyposis 1. Last evaluated: 2025-05-15. Review status: reviewed by expert panel. Criteria: ClinGen InSiGHT HCCP VCEP ACMG Specifications APC V1. Collection method: curation. Allele origin: germline. Inheritance: Autosomal dominant inheritance.
Comment: The NM_000038.6(APC):c.1312+4_1312+19del variant in APC is an intronic variant which is located in intron 10. This variant has been reported in 1 proband meeting phenotypic criteria, resulting in a total phenotype score of 1 (PS4_Supporting, [PMID: 33740971]). This variant has been reported to segregate with FAP in 7 meioses in 1 family (PP1_Moderate, [PMID: 33740971]). This variant is absent from gnomAD v2.1.1 (PM2_Supporting). RT-PCR and sequencing of cDNA demonstrated that the variant impacts splicing by causing exon 10 skipping and results in a frameshift in a gene in which loss-of-function is an established disease mechanism (PS3_Moderate, [PMID: 33740971]). The results from 2 in silico splicing predictors (MaxEntScan and VarSeak) indicate that this variant may affect splicing by disrupting the donor splice site of intron 10 of APC (PP3_Supporting). In summary, this variant meets the criteria to be classified as Likely Pathogenic for autosomal-dominant inherited FAP based on the ACMG/AMP criteria applied, as specified by the ClinGen InSiGHT Hereditary Colorectal Cancer/Polyposis VCEP: PS4_Supporting, PP1_Moderate, PM2_Supporting, PS3_Moderate, PP3_Supporting (VCEP specifications version v2.1.0; date of approval 11/24/23).

Literature cited by the submitters: PubMed 33740971.